The following is an entry in ClinVar:

NM_002778.4(PSAP):c.1A>G (p.Met1Val)

Gene: PSAP (prosaposin; minus strand). Cytogenetic location: 10q22.1.
Variant type: single nucleotide variant.
Coding change: c.1A>G on transcript NM_002778.4 (MANE Select); coding-DNA position 1, A replaced by G.
Protein change: p.Met1Val; changes the start codon (methionine 1).
Molecular consequence: missense variant, initiator codon variant.
Genome position (GRCh38, 1-based): chr10:71,851,221, T>C on the plus strand (A>G on the coding strand, the complement: PSAP is on the minus strand). VCF-style: chr10-71851221-T-C. GRCh37 (hg19) VCF-style: chr10-73610978-T-C.
Other names: c.1A>G, p.Met1Val (NM_001042465.3, NM_001042466.3); short protein forms M1V.
Identifiers: ClinVar variation 860182 (VCV000860182.17), dbSNP rs121918106, ClinGen allele CA5547949.

ClinVar aggregate classification (germline): Pathogenic. Review status: criteria provided, multiple submitters, no conflicts (2 of 4 stars). 6 submissions from 6 submitters: Pathogenic (6). Last evaluated 2024-12-19.

Conditions:
Parkinson disease 24, autosomal dominant, susceptibility to. Identifiers: MedGen C5561969, MONDO:0859183, OMIM 619491.
Metachromatic leukodystrophy (MLD). Also called: Cerebral sclerosis diffuse metachromatic form; ARSA DEFICIENCY; CEREBROSIDE SULFATASE DEFICIENCY; METACHROMATIC LEUKOENCEPHALOPATHY; SULFATIDE LIPIDOSIS; Arylsulfatase A Deficiency. Identifiers: Orphanet 512, MedGen C0023522, MONDO:0018868, OMIM 250100.
Sphingolipid activator protein 1 deficiency. Also called: METACHROMATIC LEUKODYSTROPHY DUE TO CEREBROSIDE SULFATASE ACTIVATOR DEFICIENCY; Metachromatic leukodystrophy due to saposin B deficiency; Saposin B Deficiency. Identifiers: Orphanet 512, MedGen C0268262, MONDO:0009590, OMIM 249900.
Combined PSAP deficiency (PSAPD). Also called: COMBINED SAP DEFICIENCY; Encephalopathy due to prosaposin deficiency; PROSAPOSIN DEFICIENCY. Identifiers: Orphanet 139406, MedGen C2673635, MONDO:0012719, OMIM 611721.
PSAP-related disorder. Also called: PSAP-related condition.

Allele frequency attached by ClinVar (database versions not stated): TOPMed 0.00001; ExAC 0.00005.

Submissions (6):

Genomic Medicine Center of Excellence, King Faisal Specialist Hospital and Research Centre
Classification: Pathogenic for Parkinson disease 24, autosomal dominant, susceptibility to. Last evaluated: 2024-12-19. Review status: criteria provided, single submitter. Criteria: ACMG Guidelines, 2015. Collection method: clinical testing. Allele origin: germline.

Natera, Inc.
Classification: Pathogenic for Metachromatic leukodystrophy. Last evaluated: 2024-12-04. Review status: criteria provided, single submitter. Criteria: Natera Variant Classification Schema (03/2026). Collection method: clinical testing. Allele origin: germline.
Comment: The c.1A>G variant in PSAP is predicted to result in start loss due to disruption of the initiator methionine. This variant is expected to result in nonsense mediated decay, truncation, or a dysfunctional protein product. This variant is rare in the general population with a frequency below the threshold expected for the associated phenotype(s). This variant has been observed in one or more individuals affected with the associated recessive disease, as either homozygous or compound heterozygous with a second variant (PMID: 17616409, 20484222). Given the available evidence, this variant is classified as Pathogenic.

Labcorp Genetics (formerly Invitae), Labcorp
Classification: Pathogenic for Sphingolipid activator protein 1 deficiency. Last evaluated: 2023-12-19. Review status: criteria provided, single submitter. Criteria: Invitae Variant Classification Sherloc (09022015). Collection method: clinical testing. Allele origin: germline.
Comment: This sequence change affects the initiator methionine of the PSAP mRNA. The next in-frame methionine is located at codon 76. This variant is present in population databases (rs121918106, gnomAD 0.006%). Disruption of the initiator codon has been observed in individuals with saposin C deficiency (PMID: 1371116, 17616409, 20484222). ClinVar contains an entry for this variant (Variation ID: 860182). Studies have shown that disruption of the initiator codon alters PSAP gene expression (PMID: 20484222). For these reasons, this variant has been classified as Pathogenic.

Women's Health and Genetics/Laboratory Corporation of America, LabCorp
Classification: Pathogenic for Metachromatic leukodystrophy. Last evaluated: 2022-12-09. Review status: criteria provided, single submitter. Criteria: LabCorp Variant Classification Summary - May 2015. Collection method: clinical testing. Allele origin: germline.
Comment: Variant summary: PSAP c.1A>G (p.Met1Val) alters the initiation codon and is predicted to result either in absence of the protein or truncation of the encoded protein due to translation initiation at a downstream codon. An alternative downstream in-frame start codon (Met76) is located in the encoded protein. An activation of this potential downstream translation initiation site would result in a shortened protein missing the first 75 amino acids from the protein sequence, predicted to disrupt the N-terminal saposin A-type domain (IPR003119) of the encoded protein. Three of four in-silico tools predict a damaging effect of the variant on protein function. The variant allele was found at a frequency of 6.5e-06 in 154492 control chromosomes (gnomAD). c.1A>G has been reported in the literature in the compound heterozygous state in trans with a pathogenic variant in an individual affected with Metachromatic Leukodystrophy and in a compound heterozygous individual affected with Gaucher Disease, type 3 (e.g. Deconinck_2008, Vaccaro_2010). These data indicate that the variant is likely associated with disease. At least one publication reports experimental evidence evaluating an impact on protein function and found this variant and another start codon variant, p.Met1Leu, both affect protein expression in a manner consistent with a null allele (e.g. Vaccaro_2010). Futhermore, the p.Met1Leu start codon variant has also been reported in patients (e.g. Vaccaro_2010) and has been classified as pathogenic (ClinVar: 13365), suggesting that variants which affect the start codon of the PSAP gene are likely to be deleterious. Two clinical diagnostic laboratories have submitted clinical-significance assessments for the c.1A>G (p.Met1Val) variant to ClinVar after 2014 without evidence for independent evaluation. Both classified the variant as pathogenic. Based on the evidence outlined above, this variant was classified as pathogenic.

Blueprint Genetics
Classification: Pathogenic for PSAP-related disorders. Last evaluated: 2021-07-19. Review status: criteria provided, single submitter. Criteria: ACMG Guidelines, 2015. Collection method: clinical testing. Allele origin: germline. Affected: yes. Observed: 5 variant alleles.

Kariminejad - Najmabadi Pathology & Genetics Center
Classification: Pathogenic for Combined PSAP deficiency. Review status: criteria provided, single submitter. Criteria: ACMG Guidelines, 2015. Collection method: clinical testing. Allele origin: germline. Affected: no.

Literature cited by the submitters: PubMed 17616409 (cited by 3 submitters); PubMed 20484222 (cited by 3 submitters); PubMed 1371116 (cited by Labcorp Genetics (formerly Invitae), Labcorp).